The following is an entry in ClinVar:

ClinVar aggregate classification (germline): Uncertain significance. Review status: criteria provided, multiple submitters, no conflicts (2 of 4 stars). 2 submissions from 2 submitters: Uncertain significance (2). Last evaluated 2022-05-29.

Conditions:
Hereditary nonpolyposis colorectal neoplasms. Identifiers: MedGen C0009405, MeSH D003123.

Submissions (2):

Labcorp Genetics (formerly Invitae), Labcorp
Classification: Uncertain significance for Hereditary nonpolyposis colorectal neoplasms. Last evaluated: 2022-05-29. Review status: criteria provided, single submitter. Criteria: Invitae Variant Classification Sherloc (09022015). Collection method: clinical testing. Allele origin: germline.
Comment: Information on the frequency of this variant in the gnomAD database is not available, as this variant may be reported differently in the database. This sequence change replaces serine, which is neutral and polar, with asparagine, which is neutral and polar, at codon 346 of the MSH6 protein (p.Ser346Asn). This variant has not been reported in the literature in individuals affected with MSH6-related conditions. In summary, the available evidence is currently insufficient to determine the role of this variant in disease. Therefore, it has been classified as a Variant of Uncertain Significance. Algorithms developed to predict the effect of missense changes on protein structure and function are either unavailable or do not agree on the potential impact of this missense change (SIFT: "Not Available"; PolyPhen-2: "Benign"; Align-GVGD: "Not Available"). ClinVar contains an entry for this variant (Variation ID: 853234).

Blueprint Genetics
Classification: Uncertain significance. Last evaluated: 2021-07-28. Review status: criteria provided, single submitter. Criteria: ACMG Guidelines, 2015. Collection method: clinical testing. Allele origin: germline.

NM_000179.3(MSH6):c.1036_1037delinsAA (p.Ser346Asn)

Gene: MSH6 (mutS homolog 6; plus strand). Cytogenetic location: 2p16.3.
Variant type: Indel.
Coding change: c.1036_1037delinsAA on transcript NM_000179.3 (MANE Select); coding-DNA positions 1036 to 1037, TC replaced by AA.
Protein change: p.Ser346Asn; replaces serine 346 with asparagine.
Molecular consequence: missense variant.
Genome position (GRCh38, 1-based): chr2:47,799,019-47,799,020, TC replaced by AA. VCF-style: chr2-47799019-TC-AA. GRCh37 (hg19) VCF-style: chr2-48026158-TC-AA.
Other names: c.646_647delinsAA, p.Ser216Asn (NM_001281492.2); c.130_131delinsAA, p.Ser44Asn (NM_001281493.2, NM_001281494.2); short protein forms S44N, S216N, S346N.
Identifiers: ClinVar variation 853234 (VCV000853234.11), dbSNP rs1669287149, ClinGen allele CA916079912.
Genomic context (GRCh38, chr2:47,799,019, plus strand): 5'-GCAACTAGCATTTCATCAGAAACCAAGAATACTTTGAGAGCTTTCTCTGCCCCTCAAAAT[TC>AA]TGAATCCCAAGCCCACGTTAGTGGAGGTGGTGATGACAGTAGTCGCCCTACTGTTTGGTA-3'
Protein context (NP_000170.1, residues 336-356): TLRAFSAPQN[Ser346Asn]ESQAHVSGGG